The following is an entry in ClinVar:

ClinVar aggregate classification (germline): Uncertain significance. Review status: criteria provided, multiple submitters, no conflicts (2 of 4 stars). 2 submissions from 2 submitters: Uncertain significance (2). Last evaluated 2025-11-30.

Conditions:
Hereditary cancer-predisposing syndrome. Also called: Tumor predisposition; Hereditary neoplastic syndrome; Neoplastic Syndromes, Hereditary; Hereditary Cancer Syndrome. Identifiers: Orphanet 140162, MedGen C0027672, MeSH D009386, MONDO:0015356.

Allele frequency attached by ClinVar (database versions not stated): gnomAD exomes below 0.00001 and 0.00001; TOPMed below 0.00001; ExAC 0.00002.
gnomAD v4.1: 2 of 1,613,630 alleles (0.00012%); highest among the groups gnomAD compares: Non-Finnish European, 0.00017%; no homozygotes.

Submissions (2):

Ambry Genetics
Classification: Uncertain significance for Hereditary cancer-predisposing syndrome. Last evaluated: 2025-11-30. Review status: criteria provided, single submitter. Criteria: Ambry Variant Classification Scheme 2023. Collection method: clinical testing. Allele origin: germline.
Comment: The p.L689F variant (also known as c.2065C>T), located in coding exon 14 of the MSH3 gene, results from a C to T substitution at nucleotide position 2065. The leucine at codon 689 is replaced by phenylalanine, an amino acid with highly similar properties. This amino acid position is highly conserved in available vertebrate species. In addition, this alteration is predicted to be deleterious by in silico analysis. Since supporting evidence is limited at this time, the clinical significance of this alteration remains unclear.

Labcorp Genetics (formerly Invitae), Labcorp
Classification: Uncertain significance. Last evaluated: 2024-04-29. Review status: criteria provided, single submitter. Criteria: Invitae Variant Classification Sherloc (09022015). Collection method: clinical testing. Allele origin: germline.
Comment: This sequence change replaces leucine, which is neutral and non-polar, with phenylalanine, which is neutral and non-polar, at codon 689 of the MSH3 protein (p.Leu689Phe). This variant is present in population databases (rs747667558, gnomAD 0.002%). This variant has not been reported in the literature in individuals affected with MSH3-related conditions. ClinVar contains an entry for this variant (Variation ID: 959375). An algorithm developed to predict the effect of missense changes on protein structure and function (PolyPhen-2) suggests that this variant is likely to be disruptive. In summary, the available evidence is currently insufficient to determine the role of this variant in disease. Therefore, it has been classified as a Variant of Uncertain Significance.

NM_002439.5(MSH3):c.2065C>T (p.Leu689Phe)

Gene: MSH3 (mutS homolog 3; plus strand). Cytogenetic location: 5q14.1.
Variant type: single nucleotide variant.
Coding change: c.2065C>T on transcript NM_002439.5 (MANE Select); coding-DNA position 2065, C replaced by T.
Protein change: p.Leu689Phe; replaces leucine 689 with phenylalanine.
Molecular consequence: missense variant.
Genome position (GRCh38, 1-based): chr5:80,768,101, C>T. VCF-style: chr5-80768101-C-T. GRCh37 (hg19) VCF-style: chr5-80063920-C-T.
Other names: short protein forms L689F.
Identifiers: ClinVar variation 959375 (VCV000959375.13), dbSNP rs747667558, ClinGen allele CA3328120.